The following is an entry in ClinVar:

NM_003060.4(SLC22A5):c.1380C>T (p.Asn460=)

Gene: SLC22A5 (solute carrier family 22 member 5; plus strand). Cytogenetic location: 5q31.1.
Variant type: single nucleotide variant.
Coding change: c.1380C>T on transcript NM_003060.4 (MANE Select); coding-DNA position 1380, C replaced by T.
Protein change: p.Asn460=; no amino-acid change (asparagine 460 retained).
Molecular consequence: synonymous variant.
Genome position (GRCh38, 1-based): chr5:132,392,545, C>T. VCF-style: chr5-132392545-C-T. GRCh37 (hg19) VCF-style: chr5-131728237-C-T.
Other names: p.Asn460=; c.1452C>T, p.Asn484= (NM_001308122.2).
Identifiers: ClinVar variation 460397 (VCV000460397.54), dbSNP rs149521997, ClinGen allele CA3404145.

ClinVar aggregate classification (germline): Conflicting classifications of pathogenicity. Review status: criteria provided, conflicting classifications (1 of 4 stars). 8 submissions from 8 submitters: Uncertain significance (1); Benign (1); Likely benign (6). Last evaluated 2026-02-04.

Conditions:
Renal carnitine transport defect (CDSP). Also called: Primary carnitine deficiency; Systemic primary carnitine deficiency disease; Systemic primary carnitine deficiency; CARNITINE DEFICIENCY, SYSTEMIC, DUE TO DEFECT IN RENAL REABSORPTION OF CARNITINE; CARNITINE TRANSPORTER, PLASMA-MEMBRANE, DEFICIENCY OF; CARNITINE UPTAKE DEFECT. Identifiers: Orphanet 158, MedGen C0342788, MONDO:0008919, OMIM 212140.
SLC22A5-related disorder. Also called: SLC22A5-related condition.

Allele frequency attached by ClinVar (database versions not stated): 1000 Genomes Project 30x 0.00031; 1000 Genomes Project 0.00040; gnomAD exomes 0.00058 and 0.00114; gnomAD 0.00078 and 0.00079; TOPMed 0.00080; ExAC 0.00081; ESP Exome Variant Server 0.00092.
gnomAD v4.1: 1,034 of 1,614,182 alleles (0.064%); highest among the groups gnomAD compares: Admixed American, 0.092%; 5 homozygotes.

Submissions (8):

Labcorp Genetics (formerly Invitae), Labcorp
Classification: Likely benign for Renal carnitine transport defect. Last evaluated: 2026-02-04. Review status: criteria provided, single submitter. Criteria: Invitae Variant Classification Sherloc (09022015). Collection method: clinical testing. Allele origin: germline.

Mayo Clinic Laboratories, Mayo Clinic
Classification: Likely benign. Last evaluated: 2025-11-20. Review status: criteria provided, single submitter. Criteria: ACMG Guidelines, 2015. Collection method: clinical testing. Allele origin: germline. Observed: 2 variant alleles.
Comment: BS1, BS2_supporting, BP4, BP7

PreventionGenetics, part of Exact Sciences
Classification: Benign for SLC22A5-related condition. Last evaluated: 2025-05-29. Review status: criteria provided, single submitter. Criteria: ACMG Guidelines, 2015. Collection method: clinical testing. Allele origin: germline.
Comment: This variant is classified as benign based on ACMG/AMP sequence variant interpretation guidelines (Richards et al. 2015 PMID: 25741868, with internal and published modifications).

Blueprint Genetics
Classification: Likely benign. Last evaluated: 2024-10-28. Review status: criteria provided, single submitter. Criteria: ACMG Guidelines, 2015. Collection method: clinical testing. Allele origin: germline.

CeGaT Center for Human Genetics Tuebingen
Classification: Likely benign. Last evaluated: 2022-02-01. Review status: criteria provided, single submitter. Criteria: CeGaT Center For Human Genetics Tuebingen Variant Classification Criteria Version 2. Collection method: clinical testing. Allele origin: germline. Affected: yes. Observed: 1 variant allele.

Genome-Nilou Lab
Classification: Likely benign for Renal carnitine transport defect. Last evaluated: 2021-07-15. Review status: criteria provided, single submitter. Criteria: ACMG Guidelines, 2015. Collection method: clinical testing. Allele origin: germline. Affected: no.

Illumina Laboratory Services, Illumina
Classification: Uncertain significance for Renal carnitine transport defect. Last evaluated: 2018-01-12. Review status: criteria provided, single submitter. Criteria: ICSL Variant Classification Criteria 13 December 2019. Collection method: clinical testing. Allele origin: germline.

GeneDx
Classification: Likely benign. Last evaluated: 2017-04-24. Review status: criteria provided, single submitter. Criteria: GeneDx Variant Classification (06012015). Collection method: clinical testing. Allele origin: germline. Affected: yes.
Comment: This variant is considered likely benign or benign based on one or more of the following criteria: it is a conservative change, it occurs at a poorly conserved position in the protein, it is predicted to be benign by multiple in silico algorithms, and/or has population frequency not consistent with disease.